The following is an entry in ClinVar:

ClinVar aggregate classification (germline): Conflicting classifications of pathogenicity. Review status: criteria provided, conflicting classifications (1 of 4 stars). 10 submissions from 10 submitters: Uncertain significance (5); Benign (3); Likely benign (2). Last evaluated 2026-01-18.

Conditions:
Monogenic diabetes. Identifiers: Orphanet 183625, MedGen C3888631, MONDO:0015967.
Maturity-onset diabetes of the young (MODY). Also called: Maturity onset diabetes mellitus in young. Identifiers: Orphanet 552, MedGen C0342276, MONDO:0018911, HP:0004904.
Maturity-onset diabetes of the young type 4 (MODY4). Also called: MODY, type IV; Maturity-onset diabetes of the young, type IV. Identifiers: Orphanet 552, MedGen C1833382, MONDO:0011667, OMIM 606392.
Type 2 diabetes mellitus. Also called: Type II diabetes mellitus. Identifiers: MedGen C0011860, MeSH D003924, MONDO:0005148, OMIM 125853, HP:0005978.

Allele frequency attached by ClinVar (database versions not stated): TOPMed 0.00151; 1000 Genomes Project 30x 0.00281; 1000 Genomes Project 0.00300.
gnomAD v4.1: 3,082 of 1,548,334 alleles (0.2%); highest among the groups gnomAD compares: South Asian, 0.6%; 17 homozygotes.

Submissions (10):

Labcorp Genetics (formerly Invitae), Labcorp
Classification: Benign. Last evaluated: 2026-01-18. Review status: criteria provided, single submitter. Criteria: Invitae Variant Classification Sherloc (09022015). Collection method: clinical testing. Allele origin: germline.

Blueprint Genetics
Classification: Uncertain significance. Last evaluated: 2024-11-18. Review status: criteria provided, single submitter. Criteria: ACMG Guidelines, 2015. Collection method: clinical testing. Allele origin: germline.

GeneDx
Classification: Uncertain significance. Last evaluated: 2024-08-28. Review status: criteria provided, single submitter. Criteria: GeneDx Variant Classification Process June 2021. Collection method: clinical testing. Allele origin: germline. Affected: yes.
Comment: Identified in patients with MODY, type 2 diabetes, gestational diabetes, and ketosis-prone diabetes in published literature (PMID: 16092045, 21569088, 19228875), however, also reported in multiple unaffected family members and unaffected controls in these studies; Published functional studies demonstrate a damaging effect due to impaired DNA-binding activity of the protein and misregulation of transcriptional targets (PMID: 16092045, 30930126); In silico analysis supports that this missense variant has a deleterious effect on protein structure/function; This variant is associated with the following publications: (PMID: 10720084, 12618559, 26543388, 21569088, 30709774, 19228875, 27879211, 29439679, 30930126, 27884173, 34426522, 33565752, Harris2021[CaseReport], 33795639, 34278679, 34741762, 36208030, 34938542, 34988346, 36100423, 35333605, 36178555, 36208343, 16092045)

Athena Diagnostics
Classification: Benign. Last evaluated: 2024-07-31. Review status: criteria provided, single submitter. Criteria: Athena Diagnostics Criteria. Collection method: clinical testing. Allele origin: unknown.

Broad Center for Mendelian Genomics, Broad Institute of MIT and Harvard
Classification: Uncertain significance for Maturity-onset diabetes of the young type 4. Last evaluated: 2020-01-22. Review status: criteria provided, single submitter. Criteria: ACMG Guidelines, 2015. Collection method: curation. Allele origin: germline. Inheritance: Autosomal dominant inheritance.
Comment: The p.Pro33Thr variant in PDX1 has been reported in 1 individual with maturity-onset diabetes of the young type 4 (PMID: 16092045), but has been identified in 0.7% (164/22330) of South Asian chromosomes as well as other populations at lesser frequencies by the Genome Aggregation Database (gnomAD; dbSNP rs192902098). This variant has also been reported in ClinVar as having conflicting interpretations of pathogenicity (Variation ID: 36414). In vitro functional studies provide some evidence that the p.Pro33Thr variant may impact protein function (PMID: 16092045, 30930126). However, these types of assays may not accurately represent biological function. Computational prediction tools and conservation analyses suggest that this variant may impact the protein, though this information is not predictive enough to determine pathogenicity. In summary, the clinical significance of the p.Pro33Thr variant is uncertain. ACMG/AMP Criteria applied: BA1, PS3_moderate, PP3 (Richards 2015).

Ambry Genetics
Classification: Likely benign for Maturity-onset diabetes of the young. Last evaluated: 2020-01-13. Review status: criteria provided, single submitter. Criteria: Ambry Variant Classification Scheme 2023. Collection method: clinical testing. Allele origin: germline.

Baylor Genetics
Classification: Uncertain significance for Type 2 diabetes mellitus. Last evaluated: 2019-07-18. Review status: criteria provided, single submitter. Criteria: ACMG Guidelines, 2015. Collection method: clinical testing. Allele origin: unknown. Affected: yes.
Comment: This variant was determined to be of uncertain significance according to ACMG Guidelines, 2015 [PMID:25741868]. This variant has been previously reported in multiple individuals with type 2 diabetes mellitus and/or maturity-onset diabetes of the young (MODY) [PMID: 16092045, 19228875, 21569088]

Mendelics
Classification: Uncertain significance for Maturity-onset diabetes of the young type 4. Last evaluated: 2019-05-28. Review status: criteria provided, single submitter. Criteria: Mendelics Assertion Criteria 2017. Collection method: clinical testing. Allele origin: unknown.

Personalized Diabetes Medicine Program, University of Maryland School of Medicine
Classification: Benign for Monogenic diabetes. Last evaluated: 2019-01-18. Review status: criteria provided, single submitter. Criteria: ACMG Guidelines, 2015. Collection method: research. Allele origin: unknown. Observed: 1 variant allele, 1 heterozygote.
Comment: ACMG criteria: PP3 (REVEL 0.928 + 10 predictors) + BA1 (0.7% in gnomAD SA, 0.2% in gnomAD Latino and ENF) + PS3 (PMID 16092045, in vitro studies of P33T showed a reduction in DNA-binding and transcriptional activation functions as compared to the wild-type IPF1 protein), BS2 (Five cases and six well-phenotyped controls in PMID: 21569088)= benign Variant found in seven healthy people at risk for T2DM based on fam hx or BMI or lab results in PMID: 27879211, of these people, at least one was glucose tolerant and thin. Variant found in MODY cohort in PMID: 29439679 but authors say unlikely to be cause given frequency of variant in general population

Women's Health and Genetics/Laboratory Corporation of America, LabCorp
Classification: Likely benign. Last evaluated: 2019-01-16. Review status: criteria provided, single submitter. Criteria: LabCorp Variant Classification Summary - May 2015. Collection method: clinical testing. Allele origin: germline.
Comment: Variant summary: The variant, PDX1 (legacy gene name IPF1) c.97C>A (p.Pro33Thr) results in a non-conservative amino acid change in the encoded protein sequence. Five of five in-silico tools predict a damaging effect of the variant on protein function. The variant allele was found at a frequency of 0.0023 in 169614 control chromosomes in the gnomAD database, including 2 homozygotes (gnomAD). The observed variant frequency is approximately 1844 fold of the estimated maximal expected allele frequency for a pathogenic variant in PDX1 causing Familial Monogenic Diabetes (Maturity Onset Diabetes of the Young 4)/Neonatal Diabetes Mellitus phenotype (1.3e-06), strongly suggesting that the variant is benign. However, the phenotype of MODY4 and/or other forms of monogenic/polygenic diabetes in the control individuals within the gnomAD database cannot be excluded. The variant c.97C>A has been reported in the literature in individuals within a single family affected with MODY4 (Gragnoli_2005). However, this study predated the emergence of large control databases such as gnomAD and ExAC. In another report of its presence in an individual(s) with ketone-prone diabetes, the authors conclude that this phenotype is not predominantly a Monogenic Diabetic Syndrome. Lastly, it has been reported in individuals with type 2 diabetes where it was identified at a similar frequency in cases as well as normoglycemic controls (Haaland_2009, Edghill_2011). Therefore, these reports do not provide unequivocal conclusions about association of the variant with MODY4 and favor a benign outcome consistent with its high frequency in controls. At least one publication reports a moderate (30-50%) reduction in DNA binding and transcriptional activation functions of this variant in vitro (Gragnoli_2005) however, the implications of this finding to the mechanism and pathophysiology of MOD4 are not clear. One clinical diagnostic laboratory has submitted clinical-significance assessments for this variant to ClinVar after 2014 without evidence for independent evaluation and classified this variant as likely pathogenic. Based on the evidence outlined above, the variant was classified as likely benign.

Literature cited by the submitters: PubMed 10720084 (cited by Athena Diagnostics and Women's Health and Genetics/Laboratory Corporation of America, LabCorp); PubMed 21569088 (cited by 5 submitters); PubMed 27879211 (cited by 3 submitters); PubMed 29439679 (cited by Athena Diagnostics and Personalized Diabetes Medicine Program, University of Maryland School of Medicine); PubMed 30930126 (cited by 3 submitters); PubMed 30709774 (cited by Athena Diagnostics); PubMed 27884173 (cited by Athena Diagnostics and Ambry Genetics); PubMed 16092045 (cited by 5 submitters); PubMed 19228875 (cited by 4 submitters); PubMed 28609558 (cited by Ambry Genetics); PubMed 12618559 (cited by Women's Health and Genetics/Laboratory Corporation of America, LabCorp).

NM_000209.4(PDX1):c.97C>A (p.Pro33Thr)

Gene: PDX1 (pancreatic and duodenal homeobox 1; plus strand). Cytogenetic location: 13q12.2.
Variant type: single nucleotide variant.
Coding change: c.97C>A on transcript NM_000209.4 (MANE Select); coding-DNA position 97, C replaced by A.
Protein change: p.Pro33Thr; replaces proline 33 with threonine.
Molecular consequence: missense variant.
Genome position (GRCh38, 1-based): chr13:27,920,235, C>A. VCF-style: chr13-27920235-C-A. GRCh37 (hg19) VCF-style: chr13-28494372-C-A.
Other names: short protein forms P33T.
Identifiers: ClinVar variation 36414 (VCV000036414.24), dbSNP rs192902098, ClinGen allele CA325750.